The following is an entry in ClinVar:

ClinVar aggregate classification (germline): Pathogenic (1 of 4 stars; one submission).

Conditions:
Autosomal recessive limb-girdle muscular dystrophy type 2J (LGMDR10). Also called: Limb-girdle muscular dystrophy, type 2J; MUSCULAR DYSTROPHY, LIMB-GIRDLE, AUTOSOMAL RECESSIVE 10. Identifiers: Orphanet 140922, MedGen C1837342, MONDO:0012127, OMIM 608807.
Dilated cardiomyopathy 1G (CMD1G). Identifiers: Orphanet 154, MedGen C1858763, MONDO:0011400, OMIM 604145.

Submission:

Labcorp Genetics (formerly Invitae), Labcorp
Classification: Pathogenic for Dilated cardiomyopathy 1G; Autosomal recessive limb-girdle muscular dystrophy type 2J. Last evaluated: 2025-10-02. Review status: criteria provided, single submitter. Criteria: Invitae Variant Classification Sherloc (09022015). Collection method: clinical testing. Allele origin: germline.
Comment: This sequence change creates a premature translational stop signal (p.Leu34837Glufs*12) in the TTN gene. While this is not anticipated to result in nonsense mediated decay, it is expected to create a truncated TTN protein. This variant is not present in population databases (gnomAD no frequency). This premature translational stop signal has been observed in individuals with clinical features of congenital myopathy and/or limb-girdle muscular dystrophy (PMID: 29691892, 34943567; internal data). ClinVar contains an entry for this variant (Variation ID: 2098183). This variant is located in the M band of TTN (PMID: 25589632). Truncating variants in this region have been previously reported in individuals affected with autosomal dominant or autosomal recessive myopathy and muscular dystrophy (PMID: 18948003, 23975875, 24395473). Truncating variants in this region have also been identified in individuals affected with autosomal dominant dilated cardiomyopathy and/or cardio-related conditions (PMID: 27869827, 32964742, internal data). For these reasons, this variant has been classified as Pathogenic.

Literature cited by the submitters: PubMed 29691892; PubMed 34943567; PubMed 25589632; PubMed 18948003; PubMed 23975875; PubMed 24395473; PubMed 27869827; PubMed 32964742.

NM_001267550.2(TTN):c.104509_104510del (p.Leu34837fs)

Genes: TTN (titin; minus strand), TTN-AS1 (TTN antisense RNA 1; plus strand). Cytogenetic location: 2q31.2.
Variant type: Deletion.
Coding change: c.104509_104510del on transcript NM_001267550.2 (MANE Select); coding-DNA positions 104509 to 104510, 2 bases deleted (CT; older notation c.104509_104510delCT).
Protein change: p.Leu34837fs; shifts the reading frame from leucine 34837.
Molecular consequence: frameshift variant.
Genome position (GRCh38, 1-based): chr2:178,532,105-178,532,106, AG deleted on the plus strand (CT on the coding strand, the reverse complement: TTN is on the minus strand). VCF-style (leftmost placement, unchanged base first): chr2-178532104-CAG-C. GRCh37 (hg19) VCF-style: chr2-179396831-CAG-C.
Other names: c.99586_99587del, p.Leu33196fs (NM_001256850.1); c.77314_77315del, p.Leu25772fs (NM_003319.4); c.96805_96806del, p.Leu32269fs (NM_133378.4); c.77689_77690del, p.Leu25897fs (NM_133432.3); c.77890_77891del, p.Leu25964fs (NM_133437.4); short protein forms L25772fs, L32269fs, L34837fs, L33196fs, L25897fs, L25964fs.
Identifiers: ClinVar variation 2098183 (VCV002098183.4), dbSNP rs2468437674, ClinGen allele CA2580064585.